The following is an entry in ClinVar:

NM_000051.4(ATM):c.5825C>T (p.Ala1942Val)

Genes: ATM (ATM serine/threonine kinase; plus strand), C11orf65 (chromosome 11 open reading frame 65; minus strand). Cytogenetic location: 11q22.3.
Variant type: single nucleotide variant.
Coding change: c.5825C>T on transcript NM_000051.4 (MANE Select); coding-DNA position 5825, C replaced by T.
Protein change: p.Ala1942Val; replaces alanine 1942 with valine.
Molecular consequence: missense variant. On other transcripts: intron variant (2).
Genome position (GRCh38, 1-based): chr11:108,310,222, C>T. VCF-style: chr11-108310222-C-T. GRCh37 (hg19) VCF-style: chr11-108180949-C-T.
Other names: p.A1942V:GCC>GTC; p.Ala1942Val; c.5825C>T, p.Ala1942Val (NM_001351834.2); c.641-1151G>A (NM_001330368.2); c.*39-1151G>A (NM_001351110.2); short protein forms A1942V.
Identifiers: ClinVar variation 181999 (VCV000181999.35), dbSNP rs730881394, ClinGen allele CA298365.
Genomic context (GRCh38, chr11:108,310,222, plus strand): 5'-CTTCTTCAGGAACAATTTTTAATGATGCTTTCTGGCTGGATTTAAATTATCTAGAAGTTG[C>T]CAAGGTAGCTCAGTCTTGTGCTGCTCACTTTACAGCTTTACTCTATGCAGAAATCTATGC-3'
Protein context (NP_000042.3, residues 1932-1952): FWLDLNYLEV[Ala1942Val]KVAQSCAAHF

ClinVar aggregate classification (germline): Pathogenic/Likely pathogenic. Review status: criteria provided, multiple submitters, no conflicts (2 of 4 stars). 10 submissions from 10 submitters: Pathogenic (3); Likely pathogenic (6). 1 of the submissions does not count toward it. Last evaluated 2026-05-12.

Conditions:
Hereditary cancer-predisposing syndrome. Also called: Hereditary Cancer Syndrome; Tumor predisposition; Neoplastic Syndromes, Hereditary; Hereditary neoplastic syndrome. Identifiers: Orphanet 140162, MedGen C0027672, MeSH D009386, MONDO:0015356.
Hereditary breast ovarian cancer syndrome. Also called: Hereditary breast and ovarian cancer syndrome; Hereditary breast and ovarian cancer syndrome (HBOC); Hereditary breast and ovarian cancer; Hereditary breast and/or ovarian cancer syndrome; BRCA1- and BRCA2-Associated Hereditary Breast and Ovarian Cancer; Breast and ovarian cancer. Identifiers: Orphanet 145, MedGen C0677776, MeSH D061325, MONDO:0003582. Disease mechanism: loss of function.
Familial cancer of breast. Also called: hereditary breast carcinoma; BREAST CANCER, FAMILIAL; Hereditary breast cancer. Identifiers: Orphanet 227535, MedGen C0346153, MONDO:0016419, OMIM 114480. Disease mechanism: loss of function.
Ataxia-telangiectasia syndrome (AT). Also called: ATAXIA-TELANGIECTASIA, COMPLEMENTATION GROUP A; ATAXIA-TELANGIECTASIA, FRESNO VARIANT; Ataxia-telangiectasia; Ataxia-telangiectasia, complementation group E; Cerebello-oculocutaneous telangiectasia; Immunodeficiency with ataxia telangiectasia. Identifiers: Orphanet 100, MedGen C0004135, MONDO:0008840, OMIM 208900.

Allele frequency attached by ClinVar (database versions not stated): gnomAD 0.00001; gnomAD exomes below 0.00001; TOPMed below 0.00001.
gnomAD v4.1: 8 of 1,613,392 alleles (0.0005%); highest among the groups gnomAD compares: Non-Finnish European, 0.00059%; no homozygotes.

Submissions (10):

German Consortium for Hereditary Breast and Ovarian Cancer, University Hospital Cologne
Classification: Pathogenic for Hereditary breast ovarian cancer syndrome. Last evaluated: 2026-05-12. Review status: criteria provided, single submitter. Criteria: ClinGen ATM V1.5.0. Collection method: curation. Allele origin: germline.
Comment: This classification follows the ClinGen ACMG ATM v1.5.0 classification scheme; We chose these criteria: PS3 (supporting pathogenic): ACMG guidelines 1.5.0: ATM variant fails to rescue phosphorylation of ATM-specific target KAP1 (Hanenberg 2025 CCR); VCEP: "Do not use phenotypic evidence (e.g. a lack of ATM activity in cells from an Ataxia-Telangiectasia patient) as functional data. That is a general assay that confirms the patient’s diagnosis and should be considered as part of PM3." This means that only ATM variants analyzed in the same genetic background such as after transfection of null cells with an ATM variant expression construct can be considered for PS3/BS3. Therefore functional data in unmodified patient cells from Carney 2012 J Immunol cannot be considered. The variant was not tested in Lee et al 2025 Cell, PM2 (supporting pathogenic): gnomAD v4.1.1 total MAF = 0.000004958 (=0.0005%, thus <0.001%), PM3 (very strong pathogenic): in AT patients without ATM activity & 5% ATM expression only (Carney et al. 2012, PMID: 22649200; Rodriguez et al. 2021, PMID: 34602955)

Labcorp Genetics (formerly Invitae), Labcorp
Classification: Pathogenic for Ataxia-telangiectasia syndrome. Last evaluated: 2025-10-26. Review status: criteria provided, single submitter. Criteria: Invitae Variant Classification Sherloc (09022015). Collection method: clinical testing. Allele origin: germline.
Comment: This sequence change replaces alanine, which is neutral and non-polar, with valine, which is neutral and non-polar, at codon 1942 of the ATM protein (p.Ala1942Val). This variant is not present in population databases (gnomAD no frequency). This missense change has been observed in individual(s) with ataxia telangiectasia (A-T) (PMID: 22649200, 24090759; internal data). In at least one individual the data is consistent with being in trans (on the opposite chromosome) from a pathogenic variant. ClinVar contains an entry for this variant (Variation ID: 181999). Invitae Evidence Modeling of protein sequence and biophysical properties (such as structural, functional, and spatial information, amino acid conservation, physicochemical variation, residue mobility, and thermodynamic stability) indicates that this missense variant is expected to disrupt ATM protein function with a positive predictive value of 80%. Experimental studies have shown that this missense change affects ATM function (PMID: 22649200). For these reasons, this variant has been classified as Pathogenic.

Ambry Genetics
Classification: Pathogenic for Hereditary cancer-predisposing syndrome. Last evaluated: 2025-04-10. Review status: criteria provided, single submitter. Criteria: Ambry Variant Classification Scheme 2023. Collection method: clinical testing. Allele origin: germline.
Comment: The p.A1942V pathogenic mutation (also known as c.5825C>T), located in coding exon 38 of the ATM gene, results from a C to T substitution at nucleotide position 5825. The alanine at codon 1942 is replaced by valine, an amino acid with similar properties. This alteration has been detected in conjunction with the ATM mutation, c.7638_7646delTAGAATTTC, in two siblings with ataxia-telangiectasia (A-T) (Carney EF et al. J Immunol. 2012 Jul;189:261-8). Functional assays performed on their cells showed a high level of chromosomal radiosensitivity and absence of ATM kinase activity (Carney EF et al. J Immunol. 2012 Jul;189:261-8). The ATM p.A1942V variant has also been reported in conjunction with the ATM mutation, c.1898+2T>G, in a second individual with A-T (Davis MY et al. J. Neurol. Sci. 2013 Dec;335:134-8). The ATM p.A1942V variant was also reported in trans, confirmed by familial studies, with ATM c.3955_3958dup (p.Asp1320delinsValTer) in another patient with A-T (Rodriguez RS et al. Mol Syndromol, 2021 Aug;12:289-293). This amino acid position is highly conserved in available vertebrate species. In addition, this alteration is predicted to be deleterious by in silico analysis. This variant is considered to be rare based on population cohorts in the Genome Aggregation Database (gnomAD). Based on the supporting evidence, this variant is interpreted as a disease-causing mutation.

Natera, Inc.
Classification: Likely pathogenic for Ataxia-telangiectasia. Last evaluated: 2024-08-01. Review status: criteria provided, single submitter. Criteria: Natera Variant Classification Schema (03/2026). Collection method: clinical testing. Allele origin: germline.
Comment: The c.5825C>T variant in ATM is a missense variant predicted to cause substitution of alanine to valine at amino acid 1942. This variant is rare in the general population with a frequency below the threshold expected for the associated phenotype(s). This variant has been observed in one or more individuals affected with the associated recessive disease, as either homozygous or compound heterozygous with a second variant (PMID: 34602955, 26896183, 22649200). Computational prediction algorithms indicate this variant is likely to affect gene or protein function. Given the available evidence, this variant is classified as Likely Pathogenic.

Baylor Genetics
Classification: Likely pathogenic for Familial cancer of breast. Last evaluated: 2024-03-22. Review status: criteria provided, single submitter. Criteria: ACMG Guidelines, 2015. Collection method: clinical testing. Allele origin: unknown.

Myriad Genetics, Inc.
Classification: Likely pathogenic for Familial cancer of breast. Last evaluated: 2024-01-26. Review status: criteria provided, single submitter. Criteria: Myriad Autosomal Dominant, Autosomal Recessive and X-Linked Classification Criteria (2023). Collection method: clinical testing. Allele origin: unknown.
Comment: This variant is considered likely pathogenic. This variant has been reported in multiple individuals with clinical features of gene-specific disease [PMID: 26896183, 22649200, 24090759, 34602955]. Functional studies indicate this variant impacts protein function [PMID: 26896183, 22649200, 24090759].

GeneDx
Classification: Likely pathogenic. Last evaluated: 2023-12-18. Review status: criteria provided, single submitter. Criteria: GeneDx Variant Classification Process June 2021. Collection method: clinical testing. Allele origin: germline. Affected: yes.
Comment: Not observed at significant frequency in large population cohorts (gnomAD); In silico analysis supports that this missense variant has a deleterious effect on protein structure/function; This variant is associated with the following publications: (PMID: 25754356, 24090759, 22649200, 29641532, 34602955, 26896183, 33471991, 34262154)

Mayo Clinic Laboratories, Mayo Clinic
Classification: Likely pathogenic. Last evaluated: 2023-04-24. Review status: criteria provided, single submitter. Criteria: ACMG Guidelines, 2015. Collection method: clinical testing. Allele origin: germline. Observed: 1 variant allele.
Comment: PM2_supporting, PM3_very_strong

Color Diagnostics, LLC DBA Color Health
Classification: Likely pathogenic for Hereditary cancer-predisposing syndrome. Last evaluated: 2022-02-15. Review status: criteria provided, single submitter. Criteria: ACMG Guidelines, 2015. Collection method: clinical testing. Allele origin: germline.
Comment: This missense variant replaces alanine with valine at codon 1942 of the ATM protein. Computational prediction is inconclusive regarding the impact of this variant on protein structure and function (internally defined REVEL score threshold 0.5 < inconclusive < 0.7, PMID: 27666373). This variant has been reported in three individuals affected with classic ataxia telangiectasia in compound heterozygosity with a known pathogenic variant (PMID: 22649200, 34602955). Cells from two of these patients showed significantly reduced levels of ATM protein (5% of wild type) and undetectable ATM kinase activity (PMID: 22649200). This variant has been identified in 1/251070 chromosomes in the general population by the Genome Aggregation Database (gnomAD). Based on the available evidence, this variant is classified as Likely Pathogenic.

Counsyl
Classification: Uncertain significance for Ataxia-telangiectasia syndrome. Last evaluated: 2018-02-20. Review status: no assertion criteria provided. Collection method: clinical testing. Allele origin: unknown. Not counted in ClinVar's aggregate classification.

Literature cited by the submitters: PubMed 22649200 (cited by 6 submitters); PubMed 24090759 (cited by 6 submitters); PubMed 33471991 (cited by Ambry Genetics); PubMed 34602955 (cited by 5 submitters); PubMed 26896183 (cited by Natera, Inc. and Myriad Genetics, Inc.).